The following is an entry in ClinVar:

NM_001283009.2(RTEL1):c.1441A>G (p.Thr481Ala)

Genes: RTEL1 (regulator of telomere elongation helicase 1; plus strand), RTEL1-TNFRSF6B (RTEL1-TNFRSF6B readthrough (NMD candidate); plus strand). Cytogenetic location: 20q13.33.
Variant type: single nucleotide variant.
Coding change: c.1441A>G on transcript NM_001283009.2 (MANE Select); coding-DNA position 1441, A replaced by G.
Protein change: p.Thr481Ala; replaces threonine 481 with alanine.
Molecular consequence: missense variant. On other transcripts: non-coding transcript variant (1).
Genome position (GRCh38, 1-based): chr20:63,687,730, A>G. VCF-style: chr20-63687730-A-G. GRCh37 (hg19) VCF-style: chr20-62319083-A-G.
Other names: c.772A>G, p.Thr258Ala (NM_001283010.1); c.1441A>G, p.Thr481Ala (NM_016434.4); c.1513A>G, p.Thr505Ala (NM_032957.5); short protein forms T481A, T505A, T258A.
Identifiers: ClinVar variation 3948437 (VCV003948437.1).

ClinVar aggregate classification (germline): Uncertain significance (1 of 4 stars; one submission).

Conditions:
Inborn genetic diseases. Identifiers: MedGen C0950123, MeSH D030342.

Submission:

Ambry Genetics
Classification: Uncertain significance for Inborn genetic diseases. Last evaluated: 2025-05-31. Review status: criteria provided, single submitter. Criteria: Ambry Variant Classification Scheme 2023. Collection method: clinical testing. Allele origin: germline.
Comment: The p.T481A variant (also known as c.1441A>G), located in coding exon 16 of the RTEL1 gene, results from an A to G substitution at nucleotide position 1441. The threonine at codon 481 is replaced by alanine, an amino acid with similar properties. This amino acid position is conserved. In addition, this alteration is predicted to be deleterious by in silico analysis. Based on the available evidence, the clinical significance of this variant remains unclear.